The following is an entry in ClinVar:

ClinVar aggregate classification (germline): Uncertain significance (1 of 4 stars; one submission).

Conditions:
Leber congenital amaurosis 4 (LCA4). Identifiers: MedGen C1858386, MONDO:0011458, OMIM 604393.

Submission:

Labcorp Genetics (formerly Invitae), Labcorp
Classification: Uncertain significance for Leber congenital amaurosis 4. Last evaluated: 2021-04-04. Review status: criteria provided, single submitter. Criteria: Invitae Variant Classification Sherloc (09022015). Collection method: clinical testing. Allele origin: germline.
Comment: In summary, the available evidence is currently insufficient to determine the role of this variant in disease. Therefore, it has been classified as a Variant of Uncertain Significance. This variant disrupts the p.Val71 amino acid residue in AIPL1. Other variant(s) that disrupt this residue have been observed in individuals with AIPL1-related conditions (PMID: 15024725, 26306921), which suggests that this may be a clinically significant amino acid residue. Algorithms developed to predict the effect of missense changes on protein structure and function are either unavailable or do not agree on the potential impact of this missense change (SIFT: "Deleterious"; PolyPhen-2: "Probably Damaging"; Align-GVGD: "Class C0"). This variant has been observed in individual(s) with clinical features of Leber congenital amaurosis (Invitae). This variant is not present in population databases (ExAC no frequency). This sequence change replaces valine with glycine at codon 71 of the AIPL1 protein (p.Val71Gly). The valine residue is highly conserved and there is a moderate physicochemical difference between valine and glycine.

Literature cited by the submitters: PubMed 15024725; PubMed 26306921.

NM_014336.5(AIPL1):c.212T>G (p.Val71Gly)

Gene: AIPL1 (AIP like 1 HSP90 co-chaperone; minus strand). Cytogenetic location: 17p13.2.
Variant type: single nucleotide variant.
Coding change: c.212T>G on transcript NM_014336.5 (MANE Select); coding-DNA position 212, T replaced by G.
Protein change: p.Val71Gly; replaces valine 71 with glycine.
Molecular consequence: missense variant. On other transcripts: intron variant (1).
Genome position (GRCh38, 1-based): chr17:6,433,983, A>C on the plus strand (T>G on the coding strand, the complement: AIPL1 is on the minus strand). VCF-style: chr17-6433983-A-C. GRCh37 (hg19) VCF-style: chr17-6337303-A-C.
Other names: c.212T>G, p.Val71Gly (NM_001033054.3, NM_001285401.3, NM_001285403.4); c.176T>G, p.Val59Gly (NM_001285399.3); c.146T>G, p.Val49Gly (NM_001285400.3); c.95T>G, p.Val32Gly (NM_001285402.2); c.96+1026T>G (NM_001033055.3); short protein forms V71G, V49G, V32G, V59G.
Identifiers: ClinVar variation 1479279 (VCV001479279.8), dbSNP rs2150692149, ClinGen allele CA397397309.
Genomic context (GRCh38, chr17:6,433,983, plus strand): 5'-GTGTCGCACCAGAACTCGGCCACCTCGTGCACCCGCATGGAGGTAAGCAGGATCTCCCAG[A>C]CCTCGAGCTTGAACATGTTTCCGATGATGATGTGCATGGGCTGGCCCACCTGCCGACTGT-3'
Protein context (NP_055151.3, residues 61-81): IIIGNMFKLE[Val71Gly]WEILLTSMRV